The following is an entry in ClinVar:

ClinVar aggregate classification (germline): Pathogenic (1 of 4 stars; one submission).

Conditions:
Autosomal dominant epilepsy with auditory features. Identifiers: Orphanet 101046, MedGen C1838062, MONDO:0010898.

Submission:

Labcorp Genetics (formerly Invitae), Labcorp
Classification: Pathogenic for Autosomal dominant epilepsy with auditory features. Last evaluated: 2020-03-10. Review status: criteria provided, single submitter. Criteria: Invitae Variant Classification Sherloc (09022015). Collection method: clinical testing. Allele origin: germline.
Comment: For these reasons, this variant has been classified as Pathogenic. Loss-of-function variants in LGI1 are known to be pathogenic (PMID: 24206907). A similar copy number variant has been observed in individual(s) with autosomal dominant lateral temporal epilepsy (PMID: 22496201). This variant is a gross deletion of the genomic region encompassing exons 1-4 of the LGI1 gene, which includes the initiator codon. The 5' end of this event is unknown as it extends beyond the assayed region for this gene and therefore may encompass additional genes. The 3' boundary is likely confined to intron 4 of the LGI1 gene. This is expected to result in an absent or disrupted protein product.

Literature cited by the submitters: PubMed 24206907; PubMed 22496201.

NC_000010.10:g.(?_95517882)_(95537394_?)del

Gene: LGI1 (leucine rich glioma inactivated 1; plus strand). Cytogenetic location: 10q23.33.
Variant type: Deletion.
Identifiers: ClinVar variation 1071970 (VCV001071970.46).